The following is an entry in ClinVar:

NM_001267550.2(TTN):c.104848T>C (p.Ser34950Pro)

Genes: TTN-AS1 (TTN antisense RNA 1; plus strand), TTN (titin; minus strand). Cytogenetic location: 2q31.2.
Variant type: single nucleotide variant.
Coding change: c.104848T>C on transcript NM_001267550.2 (MANE Select); coding-DNA position 104848, T replaced by C.
Protein change: p.Ser34950Pro; replaces serine 34950 with proline.
Molecular consequence: missense variant.
Genome position (GRCh38, 1-based): chr2:178,531,767, A>G on the plus strand (T>C on the coding strand, the complement: TTN is on the minus strand). VCF-style: chr2-178531767-A-G. GRCh37 (hg19) VCF-style: chr2-179396494-A-G.
Other names: c.99925T>C, p.Ser33309Pro (NM_001256850.1); c.77653T>C, p.Ser25885Pro (NM_003319.4); c.97144T>C, p.Ser32382Pro (NM_133378.4); c.78028T>C, p.Ser26010Pro (NM_133432.3); c.78229T>C, p.Ser26077Pro (NM_133437.4); short protein forms S25885P, S26010P, S26077P, S32382P, S33309P, S34950P.
Identifiers: ClinVar variation 3757843 (VCV003757843.2).
Genomic context (GRCh38, chr2:178,531,767, plus strand): 5'-TTGGCTTAGACTGAACATTTAAAATAAAACGTGTATTTTGGCCACATGGTACCCTGTGCG[A>G]GCGCATTCTCAGTGTGATTCGAGGGGCATGGTCCAGTGTGAAAGGCTGCTGACTCAAAAC-3'
Protein context (NP_001254479.2, residues 34940-34960): HAPRITLRMR[Ser34950Pro]HRVPCGQNTR

ClinVar aggregate classification (germline): Uncertain significance (1 of 4 stars; one submission).

Conditions:
Dilated cardiomyopathy 1G (CMD1G). Identifiers: Orphanet 154, MedGen C1858763, MONDO:0011400, OMIM 604145.
Autosomal recessive limb-girdle muscular dystrophy type 2J (LGMDR10). Also called: Limb-girdle muscular dystrophy, type 2J; MUSCULAR DYSTROPHY, LIMB-GIRDLE, AUTOSOMAL RECESSIVE 10. Identifiers: Orphanet 140922, MedGen C1837342, MONDO:0012127, OMIM 608807.

Submission:

Labcorp Genetics (formerly Invitae), Labcorp
Classification: Uncertain significance for Dilated cardiomyopathy 1G; Autosomal recessive limb-girdle muscular dystrophy type 2J. Last evaluated: 2024-08-28. Review status: criteria provided, single submitter. Criteria: Invitae Variant Classification Sherloc (09022015). Collection method: clinical testing. Allele origin: germline.
Comment: This sequence change replaces serine, which is neutral and polar, with proline, which is neutral and non-polar, at codon 34950 of the TTN protein (p.Ser34950Pro). This variant is not present in population databases (gnomAD no frequency). This variant has not been reported in the literature in individuals affected with TTN-related conditions. Experimental studies and prediction algorithms are not available or were not evaluated, and the functional significance of this variant is currently unknown. This variant is located in the M band of TTN (PMID: 25589632). Non-truncating variants in this region may be relevant for neuromuscular disorders, but have not been definitively shown to cause cardiomyopathy (PMID: 23975875). In summary, the available evidence is currently insufficient to determine the role of this variant in disease. Therefore, it has been classified as a Variant of Uncertain Significance.

Literature cited by the submitters: PubMed 25589632; PubMed 23975875.